The following is an entry in ClinVar:

NM_022132.5(MCCC2):c.688A>G (p.Asn230Asp)

Gene: MCCC2 (methylcrotonyl-CoA carboxylase subunit 2; plus strand). Cytogenetic location: 5q13.2.
Variant type: single nucleotide variant.
Coding change: c.688A>G on transcript NM_022132.5 (MANE Select); coding-DNA position 688, A replaced by G.
Protein change: p.Asn230Asp; replaces asparagine 230 with aspartic acid.
Molecular consequence: missense variant. On other transcripts: intron variant (1).
Genome position (GRCh38, 1-based): chr5:71,626,703, A>G. VCF-style: chr5-71626703-A-G. GRCh37 (hg19) VCF-style: chr5-70922530-A-G.
Other names: c.625-5418A>G (NM_001363147.1); short protein forms N230D.
Identifiers: ClinVar variation 577397 (VCV000577397.17), dbSNP rs766753795, ClinGen allele CA119987713.

ClinVar aggregate classification (germline): Pathogenic/Likely pathogenic. Review status: criteria provided, multiple submitters, no conflicts (2 of 4 stars). 4 submissions from 4 submitters: Pathogenic (2); Likely pathogenic (2). Last evaluated 2026-07-07.

Conditions:
3-methylcrotonyl-CoA carboxylase 2 deficiency. Also called: METHYLCROTONYLGLYCINURIA, TYPE II; 3 alpha methylcrotonyl-CoA carboxylase 2 deficiency; 3 alpha methylcrotonylglycinuria 2; MCC 2 deficiency; Methylcrotonylglycinuria type 2. Identifiers: Orphanet 6, MedGen C1859499, MONDO:0008862, OMIM 210210.
Methylcrotonyl-CoA carboxylase deficiency. Also called: 3-MCC Deficiency; Deficiency of methylcrotonoyl-CoA carboxylase; 3 Methylcrotonylglycinuria. Identifiers: Orphanet 6, MedGen C4551505, MONDO:0018950.

Allele frequency attached by ClinVar (database versions not stated): gnomAD exomes 0.00001; TOPMed 0.00001.

Submissions (4):

Myriad Genetics, Inc.
Classification: Likely pathogenic for 3-methylcrotonyl-CoA carboxylase 2 deficiency. Last evaluated: 2026-07-07. Review status: criteria provided, single submitter. Criteria: Myriad Autosomal Dominant, Autosomal Recessive and X-Linked Classification Criteria (2023). Collection method: clinical testing. Allele origin: unknown.
Comment: NM_022132.4(MCCC2):c.688A>G(N230D) is a missense variant classified as likely pathogenic in the context of 3-methylcrotonyl-CoA carboxylase deficiency, MCCC2-related. N230D has been observed in cases with relevant disease (PMID: 27601257, Fonseca_2024_(Article)). Relevant functional assessments of this variant are not available in the literature. N230D has not been observed in referenced population frequency databases. In summary, NM_022132.4(MCCC2):c.688A>G(N230D) is a missense variant that has been observed more frequently in cases with the relevant disease than in healthy populations. Please note: this variant was assessed in the context of healthy population screening.

Labcorp Genetics (formerly Invitae), Labcorp
Classification: Pathogenic for 3-methylcrotonyl-CoA carboxylase 2 deficiency. Last evaluated: 2025-09-03. Review status: criteria provided, single submitter. Criteria: Invitae Variant Classification Sherloc (09022015). Collection method: clinical testing. Allele origin: germline.
Comment: This sequence change replaces asparagine, which is neutral and polar, with aspartic acid, which is acidic and polar, at codon 230 of the MCCC2 protein (p.Asn230Asp). This variant is not present in population databases (gnomAD no frequency). This missense change has been observed in individual(s) with 3-methylcrotonyl-CoA carboxylase deficiency (PMID: 27601257). ClinVar contains an entry for this variant (Variation ID: 577397). Invitae Evidence Modeling of protein sequence and biophysical properties (such as structural, functional, and spatial information, amino acid conservation, physicochemical variation, residue mobility, and thermodynamic stability) has been performed for this missense variant. However, the output from this modeling did not meet the statistical confidence thresholds required to predict the impact of this variant on MCCC2 protein function. For these reasons, this variant has been classified as Pathogenic.

Natera, Inc.
Classification: Likely pathogenic for 3-methylcrotonyl-CoA carboxylase 2 deficiency. Last evaluated: 2025-05-06. Review status: criteria provided, single submitter. Criteria: Natera Variant Classification Schema (03/2026). Collection method: clinical testing. Allele origin: germline.
Comment: The c.688A>G variant in MCCC2 is a missense variant predicted to cause substitution of asparagine to aspartic acid at amino acid 230. This variant is rare in the general population with a frequency below the threshold expected for the associated phenotype(s). This variant has been observed in one or more individuals affected with the associated recessive disease, as either homozygous or compound heterozygous with a second variant (PMID: 27601257). This variant has been identified in one or more affected individuals with a phenotype highly consistent with the associated gene (PMID: 27601257). Computational prediction algorithms indicate this variant is likely to affect gene or protein function. Given the available evidence, this variant is classified as Likely Pathogenic.

Women's Health and Genetics/Laboratory Corporation of America, LabCorp
Classification: Pathogenic for Methylcrotonyl-CoA carboxylase deficiency. Last evaluated: 2022-01-19. Review status: criteria provided, single submitter. Criteria: LabCorp Variant Classification Summary - May 2015. Collection method: clinical testing. Allele origin: germline.
Comment: Variant summary: MCCC2 c.688A>G (p.Asn230Asp) results in a conservative amino acid change located in the Acetyl-coenzyme A carboxyltransferase, N-terminal domain (IPR011762) of the encoded protein sequence. Three of five in-silico tools predict a damaging effect of the variant on protein function. The variant was absent in 251474 control chromosomes. c.688A>G has been reported in the literature as homozygous and compound heterozygous genotypes in multiple asymptomatic newborns and at-least one asymptomatic mother affected with Methylcrotonyl-CoA Carboxylase Deficiency, supported by elevated 3- hydroxyisovalerylcarnitine (C5-OH) levels above the established screening cutoff of >/= 1 micromol/L (example, Fonseca_2016). At-least two of these individuals also had supportive biochemical phenotype of elevated 3-hydroxyisovaleric acid (3-HIVA) and 3-methylcrotonylglycine (3-MCG) levels. Patients with 3-MCC deficiency experience normal growth and development until the emergence of an acute episode of metabolic decompensation, occurring typically between 6 months and 3 to 5 years of age (example, Sweetman, 2001). This episode is usually triggered by an infection or the introduction of high protein foods in the diet. Therefore, these newborn screening data indicate that the variant is very likely to be associated with disease. To our knowledge, no experimental evidence demonstrating an impact on protein function has been reported. One clinical diagnostic laboratory has submitted clinical-significance assessments for this variant to ClinVar after 2014 and classified the variant as pathogenic citing overlapping evidence utilized in the context of this evaluation. Based on the evidence outlined above, the variant was classified as pathogenic.

Literature cited by the submitters: PubMed 27601257 (cited by 3 submitters).